The following is an entry in ClinVar:

ClinVar aggregate classification (germline): Uncertain significance (1 of 4 stars; one submission).

Submission:

Labcorp Genetics (formerly Invitae), Labcorp
Classification: Uncertain significance. Last evaluated: 2024-01-24. Review status: criteria provided, single submitter. Criteria: Invitae Variant Classification Sherloc (09022015). Collection method: clinical testing. Allele origin: germline.
Comment: This sequence change replaces proline, which is neutral and non-polar, with serine, which is neutral and polar, at codon 1307 of the PCLO protein (p.Pro1307Ser). This variant is not present in population databases (gnomAD no frequency). This variant has not been reported in the literature in individuals affected with PCLO-related conditions. Algorithms developed to predict the effect of missense changes on protein structure and function output the following: SIFT: "Not Available"; PolyPhen-2: "Not Available"; Align-GVGD: "Not Available". The serine amino acid residue is found in multiple mammalian species, which suggests that this missense change does not adversely affect protein function. In summary, the available evidence is currently insufficient to determine the role of this variant in disease. Therefore, it has been classified as a Variant of Uncertain Significance.

NM_033026.6(PCLO):c.3919C>T (p.Pro1307Ser)

Gene: PCLO (piccolo presynaptic cytomatrix protein; minus strand). Cytogenetic location: 7q21.11.
Variant type: single nucleotide variant.
Coding change: c.3919C>T on transcript NM_033026.6 (MANE Select); coding-DNA position 3919, C replaced by T.
Protein change: p.Pro1307Ser; replaces proline 1307 with serine.
Molecular consequence: missense variant.
Genome position (GRCh38, 1-based): chr7:82,965,869, G>A on the plus strand (C>T on the coding strand, the complement: PCLO is on the minus strand). VCF-style: chr7-82965869-G-A. GRCh37 (hg19) VCF-style: chr7-82595185-G-A.
Other names: c.3919C>T, p.Pro1307Ser (NM_014510.3); short protein forms P1307S.
Identifiers: ClinVar variation 2701237 (VCV002701237.3), dbSNP rs2484201672, ClinGen allele CA367931122.